The following is an entry in ClinVar:

ClinVar aggregate classification (germline): Pathogenic (1 of 4 stars; one submission).

Submission:

Quest Diagnostics Nichols Institute San Juan Capistrano
Classification: Pathogenic. Last evaluated: 2021-10-12. Review status: criteria provided, single submitter. Criteria: ACMG/ClinGen CNV Guidelines, 2019. Collection method: clinical testing. Allele origin: unknown.
Comment: This genomic alteration involves numerous OMIM/RefSeq annotated genes and is associated with chromosome 17p13.3 duplication syndrome (OMIM 613215). The gain includes both the YWHAE and LIS1 (PAFAH1B1) genes and is expected to cause phenotypic abnormalities, including a relatively distinct facial phenotype, structural brain abnormalities, hypotonia, developmental delay, cognitive impairment and autism spectrum disorders (Curry et al., Am J Med Genet A. 2013 Aug;161A(8):1833-52).

GRCh37/hg19 17p13.3-13.2(chr17:1095592-3484368)x3

Genes: OR1E2 (olfactory receptor family 1 subfamily E member 2; minus strand), OR3A2 (olfactory receptor family 3 subfamily A member 2; minus strand), OR3A3 (olfactory receptor family 3 subfamily A member 3; plus strand), OVCA2 (OVCA2 serine hydrolase domain containing; plus strand), SCARF1 (scavenger receptor class F member 1; minus strand) and 43 more. Cytogenetic location: 17p13.3-13.2.
Variant type: copy number gain.
Change: copy number 3 (three copies instead of two) of chr17:1,095,592-3,484,368 (2.39 Mb, GRCh37 coordinates, 1-based), cytogenetic band 17p13.3-13.2.
Identifiers: ClinVar variation 1807785 (VCV001807785.1).